The following is an entry in ClinVar:

NM_006648.4(WNK2):c.5825C>G (p.Pro1942Arg)

Gene: WNK2 (WNK lysine deficient protein kinase 2; plus strand). Cytogenetic location: 9q22.31.
Variant type: single nucleotide variant.
Coding change: c.5825C>G on transcript NM_006648.4 (MANE Select); coding-DNA position 5825, C replaced by G.
Protein change: p.Pro1942Arg; replaces proline 1942 with arginine.
Molecular consequence: missense variant.
Genome position (GRCh38, 1-based): chr9:93,297,969, C>G. VCF-style: chr9-93297969-C-G. GRCh37 (hg19) VCF-style: chr9-96060251-C-G.
Other names: c.5936C>G, p.Pro1979Arg (NM_001282394.3); short protein forms P1942R, P1979R.
Identifiers: ClinVar variation 3817084 (VCV003817084.1).
Genomic context (GRCh38, chr9:93,297,969, plus strand): 5'-TGTACCGCCGCCTGGGCAAGCCACTGCCCCCCAACGTGGGCTTCTTCCACACGGCACCCC[C>G]CACTGGCCGCCGGAGAAAAACCAGCAAGAGCAAGCTGAAGGCAGGCAAGCTGCTAAATCC-3'
Protein context (NP_006639.3, residues 1932-1952): PNVGFFHTAP[Pro1942Arg]TGRRRKTSKS

ClinVar aggregate classification (germline): Uncertain significance (1 of 4 stars; one submission).

gnomAD v4.1: 3 of 1,570,764 alleles (0.00019%); highest among the groups gnomAD compares: Non-Finnish European, 0.00026%; no homozygotes.

Submission:

Ambry Genetics
Classification: Uncertain significance. Last evaluated: 2025-02-15. Review status: criteria provided, single submitter. Criteria: Ambry Variant Classification Scheme 2023. Collection method: clinical testing. Allele origin: germline.
Comment: The p.P1942R variant (also known as c.5825C>G), located in coding exon 23 of the WNK2 gene, results from a C to G substitution at nucleotide position 5825. The proline at codon 1942 is replaced by arginine, an amino acid with dissimilar properties. This amino acid position is conserved. In addition, this alteration is predicted to be deleterious by in silico analysis. Based on the available evidence, the clinical significance of this variant remains unclear.